The following is an entry in ClinVar:

ClinVar aggregate classification (germline): Uncertain significance (1 of 4 stars; one submission).

Conditions:
Cardiovascular phenotype. Identifiers: MedGen CN230736.

Submission:

Ambry Genetics
Classification: Uncertain significance for Cardiovascular phenotype. Last evaluated: 2024-03-07. Review status: criteria provided, single submitter. Criteria: Ambry Variant Classification Scheme 2023. Collection method: clinical testing. Allele origin: germline.
Comment: The p.G115E variant (also known as c.344G>A), located in coding exon 5 of the EYA4 gene, results from a G to A substitution at nucleotide position 344. The glycine at codon 115 is replaced by glutamic acid, an amino acid with similar properties. This amino acid position is conserved. In addition, this alteration is predicted to be tolerated by in silico analysis. Based on the available evidence, the clinical significance of this alteration remains unclear.

NM_004100.5(EYA4):c.344G>A (p.Gly115Glu)

Gene: EYA4 (EYA transcriptional coactivator and phosphatase 4; plus strand). Cytogenetic location: 6q23.2.
Variant type: single nucleotide variant.
Coding change: c.344G>A on transcript NM_004100.5 (MANE Select); coding-DNA position 344, G replaced by A.
Protein change: p.Gly115Glu; replaces glycine 115 with glutamic acid.
Molecular consequence: missense variant. On other transcripts: intron variant (2).
Genome position (GRCh38, 1-based): chr6:133,456,622, G>A. VCF-style: chr6-133456622-G-A. GRCh37 (hg19) VCF-style: chr6-133777760-G-A.
Other names: c.344G>A, p.Gly115Glu (NM_001301013.2, NM_172105.4); c.275G>A, p.Gly92Glu (NM_001370458.1, NM_172103.4); c.209-4492G>A (NM_001370459.1, NM_001301012.2); short protein forms G115E, G92E.
Identifiers: ClinVar variation 3223698 (VCV003223698.1), dbSNP rs1793929707, ClinGen allele CA365694392.